The following is an entry in ClinVar:

ClinVar aggregate classification (germline): Uncertain significance (1 of 4 stars; one submission).

Conditions:
Hereditary cancer-predisposing syndrome. Also called: Hereditary Cancer Syndrome; Neoplastic Syndromes, Hereditary; Tumor predisposition; Hereditary neoplastic syndrome. Identifiers: Orphanet 140162, MedGen C0027672, MeSH D009386, MONDO:0015356.

Submission:

Ambry Genetics
Classification: Uncertain significance for Hereditary cancer-predisposing syndrome. Last evaluated: 2026-08-06. Review status: criteria provided, single submitter. Criteria: Ambry Variant Classification Scheme 2023. Collection method: clinical testing. Allele origin: germline.
Comment: The p.F1501L variant (also known as c.4501T>C), located in coding exon 22 of the DICER1 gene, results from a T to C substitution at nucleotide position 4501. The phenylalanine at codon 1501 is replaced by leucine, an amino acid with highly similar properties. This amino acid position is highly conserved in available vertebrate species. In addition, the in silico prediction for this alteration is inconclusive. Based on the available evidence, the clinical significance of this variant remains unclear.

NM_177438.3(DICER1):c.4501T>C (p.Phe1501Leu)

Gene: DICER1 (dicer 1, ribonuclease III; minus strand). Cytogenetic location: 14q32.13.
Variant type: single nucleotide variant.
Coding change: c.4501T>C on transcript NM_177438.3 (MANE Select); coding-DNA position 4501, T replaced by C.
Protein change: p.Phe1501Leu; replaces phenylalanine 1501 with leucine.
Molecular consequence: missense variant. On other transcripts: non-coding transcript variant (6).
Genome position (GRCh38, 1-based): chr14:95,096,419, A>G on the plus strand (T>C on the coding strand, the complement: DICER1 is on the minus strand). VCF-style: chr14-95096419-A-G. GRCh37 (hg19) VCF-style: chr14-95562756-A-G.
Other names: c.4501T>C, p.Phe1501Leu (NM_001395683.1, NM_001395684.1, NM_001395692.1 and 12 more transcripts); c.4219T>C, p.Phe1407Leu (NM_001395686.1); c.4096T>C, p.Phe1366Leu (NM_001395687.1, NM_001395688.1, NM_001395689.1 and 2 more transcripts); c.3934T>C, p.Phe1312Leu (NM_001395691.1); c.2818T>C, p.Phe940Leu (NM_001395697.1); short protein forms F1407L, F1501L, F1312L, F1366L, F940L.
Identifiers: ClinVar variation 5035305 (VCV005035305.1).